The following is an entry in ClinVar:

ClinVar aggregate classification (germline): Uncertain significance. Review status: criteria provided, multiple submitters, no conflicts (2 of 4 stars). 2 submissions from 2 submitters: Uncertain significance (2). Last evaluated 2024-12-09.

Conditions:
Luscan-Lumish syndrome. Identifiers: Orphanet 597738, MedGen C4085873, MONDO:0014791, OMIM 616831.
Inborn genetic diseases. Identifiers: MedGen C0950123, MeSH D030342.

Allele frequency attached by ClinVar (database versions not stated): gnomAD exomes below 0.00001; TOPMed below 0.00001; gnomAD 0.00001.

Submissions (2):

Ambry Genetics
Classification: Uncertain significance for Inborn genetic diseases. Last evaluated: 2024-12-09. Review status: criteria provided, single submitter. Criteria: Ambry Variant Classification Scheme 2023. Collection method: clinical testing. Allele origin: germline.

Labcorp Genetics (formerly Invitae), Labcorp
Classification: Uncertain significance for Luscan-Lumish syndrome. Last evaluated: 2023-09-19. Review status: criteria provided, single submitter. Criteria: Invitae Variant Classification Sherloc (09022015). Collection method: clinical testing. Allele origin: germline.
Comment: Advanced modeling of protein sequence and biophysical properties (such as structural, functional, and spatial information, amino acid conservation, physicochemical variation, residue mobility, and thermodynamic stability) performed at Invitae indicates that this missense variant is not expected to disrupt SETD2 protein function. In summary, the available evidence is currently insufficient to determine the role of this variant in disease. Therefore, it has been classified as a Variant of Uncertain Significance. This sequence change replaces lysine, which is basic and polar, with glutamic acid, which is acidic and polar, at codon 1191 of the SETD2 protein (p.Lys1191Glu). This variant is not present in population databases (gnomAD no frequency). This variant has not been reported in the literature in individuals affected with SETD2-related conditions.

NM_014159.7(SETD2):c.3571A>G (p.Lys1191Glu)

Gene: SETD2 (SET domain containing 2, histone lysine methyltransferase; minus strand). Cytogenetic location: 3p21.31.
Variant type: single nucleotide variant.
Coding change: c.3571A>G on transcript NM_014159.7 (MANE Select); coding-DNA position 3571, A replaced by G.
Protein change: p.Lys1191Glu; replaces lysine 1191 with glutamic acid.
Molecular consequence: missense variant. On other transcripts: non-coding transcript variant (1).
Genome position (GRCh38, 1-based): chr3:47,121,065, T>C on the plus strand (A>G on the coding strand, the complement: SETD2 is on the minus strand). VCF-style: chr3-47121065-T-C. GRCh37 (hg19) VCF-style: chr3-47162555-T-C.
Other names: c.3439A>G, p.Lys1147Glu (NM_001349370.3); short protein forms K1191E, K1147E.
Identifiers: ClinVar variation 2967166 (VCV002967166.4), dbSNP rs2043063516, ClinGen allele CA352521977.